The following is an entry in ClinVar:

NM_001211.6(BUB1B):c.833A>G (p.Asn278Ser)

Gene: BUB1B (BUB1 mitotic checkpoint serine/threonine kinase B; plus strand). Cytogenetic location: 15q15.1.
Variant type: single nucleotide variant.
Coding change: c.833A>G on transcript NM_001211.6 (MANE Select); coding-DNA position 833, A replaced by G.
Protein change: p.Asn278Ser; replaces asparagine 278 with serine.
Molecular consequence: missense variant.
Genome position (GRCh38, 1-based): chr15:40,185,246, A>G. VCF-style: chr15-40185246-A-G. GRCh37 (hg19) VCF-style: chr15-40477447-A-G.
Other names: short protein forms N278S.
Identifiers: ClinVar variation 1013635 (VCV001013635.12), dbSNP rs776666761, ClinGen allele CA7475577.

ClinVar aggregate classification (germline): Uncertain significance. Review status: criteria provided, multiple submitters, no conflicts (2 of 4 stars). 2 submissions from 2 submitters: Uncertain significance (2). Last evaluated 2023-04-12.

Conditions:
Inborn genetic diseases. Identifiers: MedGen C0950123, MeSH D030342.
Mosaic variegated aneuploidy syndrome 1 (MVA1). Also called: Warburton-Anyane-Yeboa syndrome. Identifiers: Orphanet 1052, MedGen C1850343, MONDO:0009759, OMIM 257300.

Allele frequency attached by ClinVar (database versions not stated): ExAC 0.00001; gnomAD exomes 0.00001.

Submissions (2):

Labcorp Genetics (formerly Invitae), Labcorp
Classification: Uncertain significance for Mosaic variegated aneuploidy syndrome 1. Last evaluated: 2023-04-12. Review status: criteria provided, single submitter. Criteria: Invitae Variant Classification Sherloc (09022015). Collection method: clinical testing. Allele origin: germline.
Comment: This sequence change replaces asparagine, which is neutral and polar, with serine, which is neutral and polar, at codon 278 of the BUB1B protein (p.Asn278Ser). This variant is present in population databases (rs776666761, gnomAD 0.003%). This variant has not been reported in the literature in individuals affected with BUB1B-related conditions. ClinVar contains an entry for this variant (Variation ID: 1013635). An algorithm developed to predict the effect of missense changes on protein structure and function (PolyPhen-2) suggests that this variant is likely to be disruptive. In summary, the available evidence is currently insufficient to determine the role of this variant in disease. Therefore, it has been classified as a Variant of Uncertain Significance.

Ambry Genetics
Classification: Uncertain significance for Inborn genetic diseases. Last evaluated: 2022-10-22. Review status: criteria provided, single submitter. Criteria: Ambry Variant Classification Scheme 2023. Collection method: clinical testing. Allele origin: germline.
Comment: The p.N278S variant (also known as c.833A>G), located in coding exon 7 of the BUB1B gene, results from an A to G substitution at nucleotide position 833. The asparagine at codon 278 is replaced by serine, an amino acid with highly similar properties. This amino acid position is conserved. In addition, this alteration is predicted to be tolerated by in silico analysis. Since supporting evidence is limited at this time, the clinical significance of this alteration remains unclear.